The following is an entry in ClinVar:

ClinVar aggregate classification (germline): Uncertain significance (1 of 4 stars; one submission).

Submission:

Labcorp Genetics (formerly Invitae), Labcorp
Classification: Uncertain significance. Last evaluated: 2022-03-13. Review status: criteria provided, single submitter. Criteria: Invitae Variant Classification Sherloc (09022015). Collection method: clinical testing. Allele origin: germline.
Comment: This variant has not been reported in the literature in individuals affected with IL1RAPL1-related conditions. Algorithms developed to predict the effect of missense changes on protein structure and function are either unavailable or do not agree on the potential impact of this missense change (SIFT: "Deleterious"; PolyPhen-2: "Probably Damaging"; Align-GVGD: "Class C0"). In summary, the available evidence is currently insufficient to determine the role of this variant in disease. Therefore, it has been classified as a Variant of Uncertain Significance. This variant is not present in population databases (gnomAD no frequency). This sequence change replaces leucine, which is neutral and non-polar, with tryptophan, which is neutral and slightly polar, at codon 329 of the IL1RAPL1 protein (p.Leu329Trp).

NM_014271.4(IL1RAPL1):c.986T>G (p.Leu329Trp)

Gene: IL1RAPL1 (interleukin 1 receptor accessory protein like 1; plus strand). Cytogenetic location: Xp21.2.
Variant type: single nucleotide variant.
Coding change: c.986T>G on transcript NM_014271.4 (MANE Select); coding-DNA position 986, T replaced by G.
Protein change: p.Leu329Trp; replaces leucine 329 with tryptophan.
Molecular consequence: missense variant.
Genome position (GRCh38, 1-based): chrX:29,920,023, T>G. VCF-style: chrX-29920023-T-G. GRCh37 (hg19) VCF-style: chrX-29938140-T-G.
Other names: short protein forms L329W.
Identifiers: ClinVar variation 2110826 (VCV002110826.4), dbSNP rs2518920109, ClinGen allele CA412636231.